The following is an entry in ClinVar:

NM_032119.4(ADGRV1):c.1970A>G (p.Asn657Ser)

Gene: ADGRV1 (adhesion G protein-coupled receptor V1; plus strand). Cytogenetic location: 5q14.3.
Variant type: single nucleotide variant.
Coding change: c.1970A>G on transcript NM_032119.4 (MANE Select); coding-DNA position 1970, A replaced by G.
Protein change: p.Asn657Ser; replaces asparagine 657 with serine.
Molecular consequence: missense variant. On other transcripts: non-coding transcript variant (1).
Genome position (GRCh38, 1-based): chr5:90,635,244, A>G. VCF-style: chr5-90635244-A-G. GRCh37 (hg19) VCF-style: chr5-89931061-A-G.
Other names: short protein forms N657S.
Identifiers: ClinVar variation 1953679 (VCV001953679.4), dbSNP rs771085806, ClinGen allele CA3338791.
Genomic context (GRCh38, chr5:90,635,244, plus strand): 5'-GCAATATTTCTTTACTGGTTACTCCAGCCATTGCAAATGGAGAAATTGGCTTTCTCAGCA[A>G]TCTTCCAATTATTTTGCATGAACCAGAAGATTTTGCTGCTGAAGTGGTAAGTAGGCTCTT-3'
Protein context (NP_115495.3, residues 647-667): IANGEIGFLS[Asn657Ser]LPIILHEPED

ClinVar aggregate classification (germline): Uncertain significance. Review status: criteria provided, multiple submitters, no conflicts (2 of 4 stars). 2 submissions from 2 submitters: Uncertain significance (2). Last evaluated 2026-03-31.

Allele frequency attached by ClinVar (database versions not stated): TOPMed below 0.00001; gnomAD exomes 0.00001; ExAC 0.00002.
gnomAD v4.1: 16 of 1,612,712 alleles (0.00099%); highest among the groups gnomAD compares: Non-Finnish European, 0.0014%; no homozygotes.

Submissions (2):

Women's Health and Genetics/Laboratory Corporation of America, LabCorp
Classification: Uncertain significance. Last evaluated: 2026-03-31. Review status: criteria provided, single submitter. Criteria: LabCorp Variant Classification Summary - May 2015. Collection method: clinical testing. Allele origin: germline.
Comment: Variant summary: ADGRV1 c.1970A>G (p.Asn657Ser) results in a conservative amino acid change in the encoded protein sequence. Algorithms developed to predict the effect of missense changes on protein structure and function are either unavailable or do not agree on the potential impact of this missense change. The variant allele was found at a frequency of 8.1e-06 in 247306 control chromosomes (gnomAD). The available data on variant occurrences in the general population are insufficient to allow any conclusion about variant significance. c.1970A>G has been observed in one individual affected with febrile seizure (Zhou_2022). The report does not provide unequivocal conclusions about association of the variant with Usher Syndrome. To our knowledge, no experimental evidence demonstrating an impact on protein function has been reported. The following publication have been ascertained in the context of this evaluation (PMID: 35813073). ClinVar contains an entry for this variant (Variation ID: 1953679). Based on the evidence outlined above, the variant was classified as uncertain significance.

Labcorp Genetics (formerly Invitae), Labcorp
Classification: Uncertain significance. Last evaluated: 2022-04-29. Review status: criteria provided, single submitter. Criteria: Invitae Variant Classification Sherloc (09022015). Collection method: clinical testing. Allele origin: germline.
Comment: In summary, the available evidence is currently insufficient to determine the role of this variant in disease. Therefore, it has been classified as a Variant of Uncertain Significance. Algorithms developed to predict the effect of missense changes on protein structure and function are either unavailable or do not agree on the potential impact of this missense change (SIFT: "Deleterious"; PolyPhen-2: "Possibly Damaging"; Align-GVGD: "Class C0"). This variant has not been reported in the literature in individuals affected with ADGRV1-related conditions. This variant is present in population databases (rs771085806, gnomAD 0.003%). This sequence change replaces asparagine, which is neutral and polar, with serine, which is neutral and polar, at codon 657 of the ADGRV1 protein (p.Asn657Ser).

Literature cited by the submitters: PubMed 35813073 (cited by Women's Health and Genetics/Laboratory Corporation of America, LabCorp).